The following is an entry in ClinVar:

ClinVar aggregate classification (germline): Likely benign (1 of 4 stars; one submission).

Conditions:
WDPCP-related disorder. Also called: WDPCP-related condition.

gnomAD v4.1: 3 of 1,578,900 alleles (0.00019%); highest among the groups gnomAD compares: South Asian, 0.0011%; no homozygotes.

Submission:

PreventionGenetics, part of Exact Sciences
Classification: Likely benign for WDPCP-related condition. Last evaluated: 2026-07-08. Review status: criteria provided, single submitter. Criteria: ACMG Guidelines, 2015. Collection method: clinical testing. Allele origin: germline.
Comment: This variant is classified as likely benign based on ACMG/AMP sequence variant interpretation guidelines (Richards et al. 2015 PMID: 25741868, with internal and published modifications).

NM_015910.7(WDPCP):c.208+9C>G

Gene: WDPCP (WD repeat containing planar cell polarity effector; minus strand). Cytogenetic location: 2p15.
Variant type: single nucleotide variant.
Coding change: c.208+9C>G on transcript NM_015910.7 (MANE Select); 9 bases into the intron after coding-DNA position 208, C replaced by G.
Molecular consequence: intron variant.
Genome position (GRCh38, 1-based): chr2:63,487,438, G>C on the plus strand (C>G on the coding strand, the complement: WDPCP is on the minus strand). VCF-style: chr2-63487438-G-C. GRCh37 (hg19) VCF-style: chr2-63714572-G-C.
Other names: c.136+9C>G (NM_001354044.2); c.208+9C>G (NM_001354045.2).
Identifiers: ClinVar variation 4991490 (VCV004991490.1).
Genomic context (GRCh38, chr2:63,487,438, plus strand): 5'-AATGGTCAGTATTTCATGGTTTAGAATATTTAGTTAATAAAAATTAATTGCACAGAATAG[G>C]TACTTTACCTGGTGGATCTTTCTTGTCATAATACTGGTAGATCCCAATGTCTCTATCTAT-3'